The following is an entry in ClinVar:

NM_006231.4(POLE):c.614A>G (p.Glu205Gly)

Gene: POLE (DNA polymerase epsilon, catalytic subunit; minus strand). Cytogenetic location: 12q24.33.
Variant type: single nucleotide variant.
Coding change: c.614A>G on transcript NM_006231.4 (MANE Select); coding-DNA position 614, A replaced by G.
Protein change: p.Glu205Gly; replaces glutamic acid 205 with glycine.
Molecular consequence: missense variant.
Genome position (GRCh38, 1-based): chr12:132,677,684, T>C on the plus strand (A>G on the coding strand, the complement: POLE is on the minus strand). VCF-style: chr12-132677684-T-C. GRCh37 (hg19) VCF-style: chr12-133254270-T-C.
Other names: short protein forms E205G.
Identifiers: ClinVar variation 4745620 (VCV004745620.1).

ClinVar aggregate classification (germline): Uncertain significance (1 of 4 stars; one submission).

Submission:

Labcorp Genetics (formerly Invitae), Labcorp
Classification: Uncertain significance. Last evaluated: 2025-11-22. Review status: criteria provided, single submitter. Criteria: Invitae Variant Classification Sherloc (09022015). Collection method: clinical testing. Allele origin: germline.
Comment: This sequence change replaces glutamic acid, which is acidic and polar, with glycine, which is neutral and non-polar, at codon 205 of the POLE protein (p.Glu205Gly). This variant is not present in population databases (gnomAD no frequency). This variant has not been reported in the literature in individuals affected with POLE-related conditions. Invitae Evidence Modeling of protein sequence and biophysical properties (such as structural, functional, and spatial information, amino acid conservation, physicochemical variation, residue mobility, and thermodynamic stability) indicates that this missense variant is not expected to disrupt POLE protein function with a negative predictive value of 80%. In summary, the available evidence is currently insufficient to determine the role of this variant in disease. Therefore, it has been classified as a Variant of Uncertain Significance.